The following is an entry in ClinVar:

NM_000548.5(TSC2):c.3395C>T (p.Ser1132Leu)

Gene: TSC2 (TSC complex subunit 2; plus strand). Cytogenetic location: 16p13.3.
Variant type: single nucleotide variant.
Coding change: c.3395C>T on transcript NM_000548.5 (MANE Select); coding-DNA position 3395, C replaced by T.
Protein change: p.Ser1132Leu; replaces serine 1132 with leucine.
Molecular consequence: missense variant.
Genome position (GRCh38, 1-based): chr16:2,079,667, C>T. VCF-style: chr16-2079667-C-T. GRCh37 (hg19) VCF-style: chr16-2129668-C-T.
Other names: p.Ser1132Leu; c.3263C>T, p.Ser1088Leu (NM_001077183.3, NM_001370404.1); c.3395C>T, p.Ser1132Leu (NM_001114382.3); c.3155C>T, p.Ser1052Leu (NM_001318827.2); c.3119C>T, p.Ser1040Leu (NM_001318829.2); c.2663C>T, p.Ser888Leu (NM_001318831.2); c.3296C>T, p.Ser1099Leu (NM_001318832.2); c.3266C>T, p.Ser1089Leu (NM_001363528.2, NM_001370405.1, NM_021055.3); and 1 more; short protein forms S1132L, S1089L, S1040L, S1088L, S1052L, S1099L, S888L.
Identifiers: ClinVar variation 406107 (VCV000406107.53), dbSNP rs137854074, ClinGen allele CA046484.
Genomic context (GRCh38, chr16:2,079,667, plus strand): 5'-TGGAGTCCCAGGCTGGGCAGCAGGTGTCCCGTGGGGCCCGGGATCGGGTCCGTTCCATGT[C>T]GGGTGAGCCTTGGCCCCAGCCACCTCCACACAGGCACCGGGGCTCCCTCAGTTGCTGCTG-3'
Protein context (NP_000539.2, residues 1122-1142): RGARDRVRSM[Ser1132Leu]GGHGLRVGAL

ClinVar aggregate classification (germline): Conflicting classifications of pathogenicity. Review status: criteria provided, conflicting classifications (1 of 4 stars). 9 submissions from 9 submitters: Uncertain significance (4); Likely benign (5). Last evaluated 2026-02-06.

Conditions:
Tuberous sclerosis 2 (TSC2). Identifiers: Orphanet 805, MedGen C1860707, MONDO:0013199, OMIM 613254.
TSC2-related disorder. Also called: TSC2-related condition; TSC2-Related Disorders.
Hereditary cancer-predisposing syndrome. Also called: Neoplastic Syndromes, Hereditary; Hereditary neoplastic syndrome; Tumor predisposition; Hereditary Cancer Syndrome. Identifiers: Orphanet 140162, MedGen C0027672, MeSH D009386, MONDO:0015356.
Tuberous sclerosis syndrome (TSC). Also called: Tuberous Sclerosis Complex; Tuberous sclerosis. Identifiers: Orphanet 805, MedGen C0041341, MONDO:0001734.

Allele frequency attached by ClinVar (database versions not stated): gnomAD exomes 0.00001; ExAC 0.00002; TOPMed 0.00002.
gnomAD v4.1: 21 of 1,587,764 alleles (0.0013%); highest among the groups gnomAD compares: Middle Eastern, 0.04%; no homozygotes.

Submissions (9):

PreventionGenetics, part of Exact Sciences
Classification: Likely benign for TSC2-related condition. Last evaluated: 2026-02-06. Review status: criteria provided, single submitter. Criteria: ACMG Guidelines, 2015. Collection method: clinical testing. Allele origin: germline.
Comment: This variant is classified as likely benign based on ACMG/AMP sequence variant interpretation guidelines (Richards et al. 2015 PMID: 25741868, with internal and published modifications).

Labcorp Genetics (formerly Invitae), Labcorp
Classification: Likely benign for Tuberous sclerosis 2. Last evaluated: 2025-12-08. Review status: criteria provided, single submitter. Criteria: Invitae Variant Classification Sherloc (09022015). Collection method: clinical testing. Allele origin: germline.

Mayo Clinic Laboratories, Mayo Clinic
Classification: Uncertain significance. Last evaluated: 2025-08-22. Review status: criteria provided, single submitter. Criteria: ACMG Guidelines, 2015. Collection method: clinical testing. Allele origin: germline. Observed: 1 variant allele.
Comment: PP3

CeGaT Center for Human Genetics Tuebingen
Classification: Likely benign. Last evaluated: 2024-11-01. Review status: criteria provided, single submitter. Criteria: CeGaT Center For Human Genetics Tuebingen Variant Classification Criteria Version 2. Collection method: clinical testing. Allele origin: germline. Affected: yes. Observed: 3 variant alleles.
Comment: TSC2: BS2

Color Diagnostics, LLC DBA Color Health
Classification: Uncertain significance for Tuberous sclerosis syndrome. Last evaluated: 2024-07-24. Review status: criteria provided, single submitter. Criteria: ACMG Guidelines, 2015. Collection method: clinical testing. Allele origin: germline.
Comment: This missense variant replaces serine with leucine at codon 1132 of the TSC2 protein. Computational prediction suggests that this variant may have deleterious impact on protein structure and function). To our knowledge, functional studies have not been reported for this variant. This variant has not been reported in individuals affected with TSC2-related disorders in the literature. This variant has been identified in 2/202498 chromosomes in the general population by the Genome Aggregation Database (gnomAD). The available evidence is insufficient to determine the role of this variant in disease conclusively. Therefore, this variant is classified as a Variant of Uncertain Significance.

Quest Diagnostics Nichols Institute San Juan Capistrano
Classification: Uncertain significance. Last evaluated: 2023-12-05. Review status: criteria provided, single submitter. Criteria: Quest Diagnostics criteria. Collection method: clinical testing. Allele origin: unknown.

GeneDx
Classification: Uncertain significance. Last evaluated: 2023-07-31. Review status: criteria provided, single submitter. Criteria: GeneDx Variant Classification Process June 2021. Collection method: clinical testing. Allele origin: germline. Affected: yes.
Comment: In silico analysis supports that this missense variant has a deleterious effect on protein structure/function; Has not been previously published as pathogenic or benign to our knowledge

Ambry Genetics
Classification: Likely benign for Hereditary cancer-predisposing syndrome. Last evaluated: 2022-11-03. Review status: criteria provided, single submitter. Criteria: Ambry Variant Classification Scheme 2023. Collection method: clinical testing. Allele origin: germline.

Genome-Nilou Lab
Classification: Likely benign for Tuberous sclerosis 2. Last evaluated: 2021-11-07. Review status: criteria provided, single submitter. Criteria: ACMG Guidelines, 2015. Collection method: clinical testing. Allele origin: germline. Affected: no.